The following is an entry in ClinVar:

NM_144670.6(A2ML1):c.2119+9C>T

Gene: A2ML1 (alpha-2-macroglobulin like 1; plus strand). Cytogenetic location: 12p13.31.
Variant type: single nucleotide variant.
Coding change: c.2119+9C>T on transcript NM_144670.6 (MANE Select); 9 bases into the intron after coding-DNA position 2119, C replaced by T.
Molecular consequence: intron variant.
Genome position (GRCh38, 1-based): chr12:8,849,768, C>T. VCF-style: chr12-8849768-C-T. GRCh37 (hg19) VCF-style: chr12-9002364-C-T.
Other names: c.646+9C>T (NM_001282424.3).
Identifiers: ClinVar variation 509374 (VCV000509374.1), dbSNP rs1428382436, ClinGen allele CA603217070.

ClinVar aggregate classification (germline): Likely benign (1 of 4 stars; one submission).

Allele frequency attached by ClinVar (database versions not stated): gnomAD exomes below 0.00001; TOPMed 0.00001; gnomAD 0.00001.
gnomAD v4.1: 4 of 1,612,066 alleles (0.00025%); highest among the groups gnomAD compares: African/African-American, 0.0013%; no homozygotes.

Submission:

GeneDx
Classification: Likely benign. Last evaluated: 2017-05-05. Review status: criteria provided, single submitter. Criteria: GeneDx Variant Classification (06012015). Collection method: clinical testing. Allele origin: germline. Affected: yes.
Comment: This variant is considered likely benign or benign based on one or more of the following criteria: it is a conservative change, it occurs at a poorly conserved position in the protein, it is predicted to be benign by multiple in silico algorithms, and/or has population frequency not consistent with disease.